The following is an entry in ClinVar:

ClinVar aggregate classification (germline): Conflicting classifications of pathogenicity. Review status: criteria provided, conflicting classifications (1 of 4 stars). 5 submissions from 5 submitters: Uncertain significance (3); Likely benign (2). Last evaluated 2026-05-21.

Conditions:
NPHP3-related Meckel-like syndrome. Also called: GOLDSTON SYNDROME; Meckel syndrome type 7. Identifiers: Orphanet 3032, MedGen C2673885, MONDO:0009966, OMIM 267010.
Renal-hepatic-pancreatic dysplasia 1 (RHPD1). Identifiers: MedGen C3715199, MONDO:0008833, OMIM 208540.
Nephronophthisis 3 (NPHP3). Also called: Adolescent nephronophthisis. Identifiers: Orphanet 655, MedGen C1858392, MONDO:0011456, OMIM 604387.
NPHP3-related disorder. Also called: NPHP3-related condition; NPHP3-related disorders. Identifiers: MedGen CN379163.
Nephronophthisis. Also called: Juvenile Nephronophthisis. Identifiers: Orphanet 655, MedGen C0687120, MONDO:0019005, HP:0000090.

Allele frequency attached by ClinVar (database versions not stated): gnomAD 0.00001 and 0.00002; TOPMed 0.00003; gnomAD exomes 0.00007 and 0.00012; ExAC 0.00012.
gnomAD v4.1: 104 of 1,613,680 alleles (0.0064%); highest among the groups gnomAD compares: South Asian, 0.057%; 2 homozygotes.

Submissions (5):

PreventionGenetics, part of Exact Sciences
Classification: Uncertain significance for NPHP3-related condition. Last evaluated: 2026-05-21. Review status: criteria provided, single submitter. Criteria: ACMG Guidelines, 2015. Collection method: clinical testing. Allele origin: germline.
Comment: The NPHP3 c.1190G>A variant is predicted to result in the amino acid substitution p.Arg397His. This variant was reported in an individual with nephronophthisis (Olbrich et al. 2003. PubMed ID: 12872122). This variant is reported in 0.069% of alleles in individuals of South Asian descent in gnomAD. At this time, the clinical significance of this variant is uncertain due to the absence of conclusive functional and genetic evidence.

Labcorp Genetics (formerly Invitae), Labcorp
Classification: Likely benign for Nephronophthisis. Last evaluated: 2025-10-24. Review status: criteria provided, single submitter. Criteria: Invitae Variant Classification Sherloc (09022015). Collection method: clinical testing. Allele origin: germline.

Blueprint Genetics
Classification: Likely benign. Last evaluated: 2024-09-03. Review status: criteria provided, single submitter. Criteria: ACMG Guidelines, 2015. Collection method: clinical testing. Allele origin: germline.

Women's Health and Genetics/Laboratory Corporation of America, LabCorp
Classification: Uncertain significance. Last evaluated: 2022-03-29. Review status: criteria provided, single submitter. Criteria: LabCorp Variant Classification Summary - May 2015. Collection method: clinical testing. Allele origin: germline.
Comment: Variant summary: NPHP3 c.1190G>A (p.Arg397His) results in a non-conservative amino acid change in the encoded protein sequence. Three of five in-silico tools predict a benign effect of the variant on protein function. The variant allele was found at a frequency of 0.00012 in 251384 control chromosomes, predominantly at a frequency of 0.00069 within the South Asian subpopulation in the gnomAD database. The observed variant frequency within South Asian control individuals in the gnomAD database is approximately 1.75 fold of the estimated maximal expected allele frequency for a pathogenic variant in NPHP3 causing Joubert Syndrome And Related Disorders phenotype (0.0004), strongly suggesting that the variant is a benign polymorphism found primarily in populations of South Asian origin. c.1190G>A has been reported in the literature as a non-informative genotype in at-least one individual affected with Nephronophthisis (example, Olbrich_2003). These report(s) do not provide unequivocal conclusions about association of the variant with Joubert Syndrome And Related Disorders. To our knowledge, no experimental evidence demonstrating an impact on protein function has been reported. One clinical diagnostic laboratory has submitted clinical-significance assessments for this variant to ClinVar after 2014 and classified the variant as uncertain significance. Based on the evidence outlined above, the variant was classified as VUS-possibly benign.

Fulgent Genetics
Classification: Uncertain significance for Renal-hepatic-pancreatic dysplasia 1; NPHP3-related Meckel-like syndrome; Nephronophthisis 3. Last evaluated: 2021-07-09. Review status: criteria provided, single submitter. Criteria: ACMG Guidelines, 2015. Collection method: clinical testing. Allele origin: unknown.

Literature cited by the submitters: PubMed 23188109 (cited by Women's Health and Genetics/Laboratory Corporation of America, LabCorp); PubMed 12872122 (cited by Women's Health and Genetics/Laboratory Corporation of America, LabCorp).

NM_153240.5(NPHP3):c.1190G>A (p.Arg397His)

Genes: NPHP3 (nephrocystin 3; minus strand), NPHP3-ACAD11 (NPHP3-ACAD11 readthrough (NMD candidate); minus strand). Cytogenetic location: 3q22.1.
Variant type: single nucleotide variant.
Coding change: c.1190G>A on transcript NM_153240.5 (MANE Select); coding-DNA position 1190, G replaced by A.
Protein change: p.Arg397His; replaces arginine 397 with histidine.
Molecular consequence: missense variant. On other transcripts: non-coding transcript variant (1).
Genome position (GRCh38, 1-based): chr3:132,708,186, C>T on the plus strand (G>A on the coding strand, the complement: NPHP3 is on the minus strand). VCF-style: chr3-132708186-C-T. GRCh37 (hg19) VCF-style: chr3-132427030-C-T.
Other names: short protein forms R397H.
Identifiers: ClinVar variation 839634 (VCV000839634.11), dbSNP rs755094682, ClinGen allele CA2622374.